The following is an entry in ClinVar:

NM_000257.4(MYH7):c.2619G>A (p.Leu873=)

Genes: MYH7 (myosin heavy chain 7; minus strand), LOC126861898 (BRD4-independent group 4 enhancer GRCh37_chr14:23893609-23894808; plus strand). Cytogenetic location: 14q11.2.
Variant type: single nucleotide variant.
Coding change: c.2619G>A on transcript NM_000257.4 (MANE Select); coding-DNA position 2619, G replaced by A.
Protein change: p.Leu873=; no amino-acid change (leucine 873 retained).
Molecular consequence: synonymous variant.
Genome position (GRCh38, 1-based): chr14:23,424,829, C>T on the plus strand (G>A on the coding strand, the complement: MYH7 is on the minus strand). VCF-style: chr14-23424829-C-T. GRCh37 (hg19) VCF-style: chr14-23894038-C-T.
Identifiers: ClinVar variation 1560378 (VCV001560378.9), dbSNP rs771118861, ClinGen allele CA033481.
Genomic context (GRCh38, chr14:23,424,829, plus strand): 5'-CGCCTGCACTTGGAGCTGCAGGTCATTCTTCTCCTGCAGCAGGGACACCATCTTCTCCTC[C>T]AGCTCCTTGCGGCGAGCCTCGGACTTCTCTAGCGCCTCTTTGAGGCGTGTGAACTCCTCC-3'
Protein context (NP_000248.2, residues 863-883): LEKSEARRKE[Leu873=]EEKMVSLLQE

ClinVar aggregate classification (germline): Likely benign. Review status: criteria provided, multiple submitters, no conflicts (2 of 4 stars). 2 submissions from 2 submitters: Likely benign (2). Last evaluated 2024-05-14.

Conditions:
Cardiomyopathy (CMYO). Also called: Cardiomyopathies. Identifiers: Orphanet 167848, MedGen C0878544, MONDO:0004994, HP:0001638. Inheritance: Various modes of inheritance.
Hypertrophic cardiomyopathy. Also called: HYPERTROPHIC MYOCARDIOPATHY. Identifiers: Orphanet 217569, MedGen C0007194, MeSH D002312, MONDO:0005045, HP:0001639.

Allele frequency attached by ClinVar (database versions not stated): gnomAD exomes below 0.00001; ExAC 0.00001.
gnomAD v4.1: 3 of 1,614,222 alleles (0.00019%); highest among the groups gnomAD compares: African/African-American, 0.0013%; no homozygotes.

Submissions (2):

All of Us Research Program, National Institutes of Health
Classification: Likely benign for Cardiomyopathy. Last evaluated: 2024-05-14. Review status: criteria provided, single submitter. Criteria: ACMG Guidelines, 2015. Collection method: clinical testing. Allele origin: germline. Inheritance: Autosomal dominant inheritance. Observed: 1 variant allele, 1 heterozygote.
Comment: This study involves interpretation of variants in research participants for the purpose of population health screening. Participant phenotype was not available at the time of variant classification. Additional details can be found in publication PMID: 35346344, PMCID: PMC8962531

Labcorp Genetics (formerly Invitae), Labcorp
Classification: Likely benign for Hypertrophic cardiomyopathy. Last evaluated: 2022-03-14. Review status: criteria provided, single submitter. Criteria: Invitae Variant Classification Sherloc (09022015). Collection method: clinical testing. Allele origin: germline.